The following is an entry in ClinVar:

NM_001211.6(BUB1B):c.2797G>A (p.Val933Ile)

Genes: BUB1B (BUB1 mitotic checkpoint serine/threonine kinase B; plus strand), BUB1B-PAK6 (BUB1B-PAK6 readthrough; plus strand). Cytogenetic location: 15q15.1.
Variant type: single nucleotide variant.
Coding change: c.2797G>A on transcript NM_001211.6 (MANE Select); coding-DNA position 2797, G replaced by A.
Protein change: p.Val933Ile; replaces valine 933 with isoleucine.
Molecular consequence: missense variant. On other transcripts: 5 prime UTR variant (2).
Genome position (GRCh38, 1-based): chr15:40,217,614, G>A. VCF-style: chr15-40217614-G-A. GRCh37 (hg19) VCF-style: chr15-40509815-G-A.
Other names: c.-254G>A (NM_001128628.3); c.-171G>A (NM_001128629.3); short protein forms V933I.
Identifiers: ClinVar variation 1796102 (VCV001796102.2), dbSNP rs1402959166, ClinGen allele CA391688009.
Genomic context (GRCh38, chr15:40,217,614, plus strand): 5'-TCCTACAGTGTTGACCTTAGGGTGCAGCTGGATGTTTTTACCCTCAGCGGCTTTCGGACT[G>A]TACAGATCCTGGAAGGACAAAAGATCCTGGCTAACTGTTCTTCTCCCTACCAGGTAAGTG-3'
Protein context (NP_001202.5, residues 923-943): DVFTLSGFRT[Val933Ile]QILEGQKILA

ClinVar aggregate classification (germline): Uncertain significance (1 of 4 stars; one submission).

Conditions:
Inborn genetic diseases. Identifiers: MedGen C0950123, MeSH D030342.

gnomAD v4.1: 2 of 1,614,124 alleles (0.00012%); highest among the groups gnomAD compares: Non-Finnish European, 0.00017%; no homozygotes.

Submission:

Ambry Genetics
Classification: Uncertain significance for Inborn genetic diseases. Last evaluated: 2021-12-08. Review status: criteria provided, single submitter. Criteria: Ambry Variant Classification Scheme 2023. Collection method: clinical testing. Allele origin: germline.
Comment: The p.V933I variant (also known as c.2797G>A), located in coding exon 21 of the BUB1B gene, results from a G to A substitution at nucleotide position 2797. The valine at codon 933 is replaced by isoleucine, an amino acid with highly similar properties. This amino acid position is conserved. In addition, this alteration is predicted to be tolerated by in silico analysis. Since supporting evidence is limited at this time, the clinical significance of this alteration remains unclear.